The following is an entry in ClinVar:

NM_004629.2(FANCG):c.1772T>G (p.Leu591Arg)

Gene: FANCG (FA complementation group G; minus strand). Cytogenetic location: 9p13.3.
Variant type: single nucleotide variant.
Coding change: c.1772T>G on transcript NM_004629.2 (MANE Select); coding-DNA position 1772, T replaced by G.
Protein change: p.Leu591Arg; replaces leucine 591 with arginine.
Molecular consequence: missense variant.
Genome position (GRCh38, 1-based): chr9:35,074,205, A>C on the plus strand (T>G on the coding strand, the complement: FANCG is on the minus strand). VCF-style: chr9-35074205-A-C. GRCh37 (hg19) VCF-style: chr9-35074202-A-C.
Other names: short protein forms L591R.
Identifiers: ClinVar variation 4619375 (VCV004619375.1).

ClinVar aggregate classification (germline): Uncertain significance (1 of 4 stars; one submission).

Conditions:
Inborn genetic diseases. Identifiers: MedGen C0950123, MeSH D030342.

gnomAD v4.1: 2 of 1,614,096 alleles (0.00012%); highest among the groups gnomAD compares: Non-Finnish European, 0.00017%; no homozygotes.

Submission:

Ambry Genetics
Classification: Uncertain significance for Inborn genetic diseases. Last evaluated: 2025-10-23. Review status: criteria provided, single submitter. Criteria: Ambry Variant Classification Scheme 2023. Collection method: clinical testing. Allele origin: germline.
Comment: The p.L591R variant (also known as c.1772T>G), located in coding exon 14 of the FANCG gene, results from a T to G substitution at nucleotide position 1772. The leucine at codon 591 is replaced by arginine, an amino acid with dissimilar properties. This amino acid position is conserved. In addition, the in silico prediction for this alteration is inconclusive. Based on the available evidence, the clinical significance of this variant remains unclear.